The following is an entry in ClinVar:

ClinVar aggregate classification (germline): Conflicting classifications of pathogenicity. Review status: criteria provided, conflicting classifications (1 of 4 stars). 2 submissions from 2 submitters: Uncertain significance (1); Likely benign (1). Last evaluated 2023-03-23.

Conditions:
Hereditary cancer-predisposing syndrome. Also called: Tumor predisposition; Neoplastic Syndromes, Hereditary; Hereditary neoplastic syndrome; Hereditary Cancer Syndrome. Identifiers: Orphanet 140162, MedGen C0027672, MeSH D009386, MONDO:0015356.

Submissions (2):

University of Washington Department of Laboratory Medicine, University of Washington
Classification: Likely benign for Hereditary cancer-predisposing syndrome. Last evaluated: 2023-03-23. Review status: criteria provided, single submitter. Criteria: Dines et al. (Genet Med. 2020). Collection method: curation. Allele origin: germline.
Comment: Missense variant in a coldspot region where missense variants are very unlikely to be pathogenic (PMID:31911673).

BRCA2 exon 11 coldspot. Reclassification based on statistical prior probability.

Color Diagnostics, LLC DBA Color Health
Classification: Uncertain significance for Hereditary cancer-predisposing syndrome. Last evaluated: 2019-01-05. Review status: criteria provided, single submitter. Criteria: ACMG Guidelines, 2015. Collection method: clinical testing. Allele origin: germline.

NM_000059.4(BRCA2):c.3713T>C (p.Val1238Ala)

Gene: BRCA2 (BRCA2 DNA repair associated; plus strand). Cytogenetic location: 13q13.1.
Variant type: single nucleotide variant.
Coding change: c.3713T>C on transcript NM_000059.4 (MANE Select); coding-DNA position 3713, T replaced by C.
Protein change: p.Val1238Ala; replaces valine 1238 with alanine.
Molecular consequence: missense variant.
Genome position (GRCh38, 1-based): chr13:32,338,068, T>C. VCF-style: chr13-32338068-T-C. GRCh37 (hg19) VCF-style: chr13-32912205-T-C.
Other names: short protein forms V1238A.
Identifiers: ClinVar variation 631095 (VCV000631095.5), dbSNP rs1566229025, ClinGen allele CA387778073.